The following is an entry in ClinVar:

NM_052844.4(DYNC2I2):c.82A>G (p.Ser28Gly)

Gene: DYNC2I2 (dynein 2 intermediate chain 2; minus strand). Cytogenetic location: 9q34.11.
Variant type: single nucleotide variant.
Coding change: c.82A>G on transcript NM_052844.4 (MANE Select); coding-DNA position 82, A replaced by G.
Protein change: p.Ser28Gly; replaces serine 28 with glycine.
Molecular consequence: missense variant.
Genome position (GRCh38, 1-based): chr9:128,656,645, T>C on the plus strand (A>G on the coding strand, the complement: DYNC2I2 is on the minus strand). VCF-style: chr9-128656645-T-C. GRCh37 (hg19) VCF-style: chr9-131418924-T-C.
Other names: short protein forms S28G.
Identifiers: ClinVar variation 1951476 (VCV001951476.5), dbSNP rs2542474417, ClinGen allele CA375051442.

ClinVar aggregate classification (germline): Uncertain significance (1 of 4 stars; one submission).

Conditions:
Short-rib thoracic dysplasia 11 with or without polydactyly (SRTD11). Also called: SHORT-RIB THORACIC DYSPLASIA 11 WITHOUT POLYDACTYLY. Identifiers: Orphanet 474, Orphanet 93271, MedGen C3810200, MONDO:0014287, OMIM 615633.

Submission:

Labcorp Genetics (formerly Invitae), Labcorp
Classification: Uncertain significance for Short-rib thoracic dysplasia 11 with or without polydactyly. Last evaluated: 2022-06-01. Review status: criteria provided, single submitter. Criteria: Invitae Variant Classification Sherloc (09022015). Collection method: clinical testing. Allele origin: germline.
Comment: In summary, the available evidence is currently insufficient to determine the role of this variant in disease. Therefore, it has been classified as a Variant of Uncertain Significance. Algorithms developed to predict the effect of missense changes on protein structure and function output the following: SIFT: "Tolerated"; PolyPhen-2: "Benign"; Align-GVGD: "Class C0". The glycine amino acid residue is found in multiple mammalian species, which suggests that this missense change does not adversely affect protein function. This variant has not been reported in the literature in individuals affected with WDR34-related conditions. This variant is not present in population databases (gnomAD no frequency). This sequence change replaces serine, which is neutral and polar, with glycine, which is neutral and non-polar, at codon 28 of the WDR34 protein (p.Ser28Gly).